The following is an entry in ClinVar:

ClinVar aggregate classification (germline): Uncertain significance (1 of 4 stars; one submission).

Allele frequency attached by ClinVar (database versions not stated): gnomAD exomes 0.00001.
gnomAD v4.1: 10 of 1,613,806 alleles (0.00062%); highest among the groups gnomAD compares: African/African-American, 0.0013%; no homozygotes.

Submission:

Labcorp Genetics (formerly Invitae), Labcorp
Classification: Uncertain significance. Last evaluated: 2022-04-22. Review status: criteria provided, single submitter. Criteria: Invitae Variant Classification Sherloc (09022015). Collection method: clinical testing. Allele origin: germline.
Comment: In summary, the available evidence is currently insufficient to determine the role of this variant in disease. Therefore, it has been classified as a Variant of Uncertain Significance. Algorithms developed to predict the effect of missense changes on protein structure and function are either unavailable or do not agree on the potential impact of this missense change (SIFT: "Deleterious"; PolyPhen-2: "Not Available"; Align-GVGD: "Class C0"). This variant has not been reported in the literature in individuals affected with COA6-related conditions. This variant is present in population databases (no rsID available, gnomAD 0.007%). This sequence change replaces serine, which is neutral and polar, with phenylalanine, which is neutral and non-polar, at codon 9 of the COA6 protein (p.Ser9Phe).

NM_001206641.3(COA6):c.212+66C>T

Gene: COA6 (cytochrome c oxidase assembly factor 6; plus strand). Cytogenetic location: 1q42.2.
Variant type: single nucleotide variant.
Coding change: c.212+66C>T on transcript NM_001206641.3 (MANE Select); 66 bases into the intron after coding-DNA position 212, C replaced by T.
Molecular consequence: intron variant. On other transcripts: missense variant (1), 5 prime UTR variant (1).
Genome position (GRCh38, 1-based): chr1:234,373,744, C>T. VCF-style: chr1-234373744-C-T. GRCh37 (hg19) VCF-style: chr1-234509490-C-T.
Other names: c.26C>T, p.Ser9Phe (NM_001012985.2); c.-502C>T (NM_001301733.1); short protein forms S9F.
Identifiers: ClinVar variation 1908150 (VCV001908150.5), dbSNP rs1022741158, ClinGen allele CA39497075.
Genomic context (GRCh38, chr1:234,373,744, plus strand): 5'-CTTGCTGATGGGTCCGGGTGGGGCGCGCGTGGACTATGGGCCCGGGAGGTCCCTTACTGT[C>T]CCCGAGCCGCGGGTTCCTCTTGTGCAAAACGGGGTGGCACTCCAATCGCCTGCTTGGTGA-3'